The following is an entry in ClinVar:

NM_007194.4(CHEK2):c.538del (p.Arg180fs)

Gene: CHEK2 (checkpoint kinase 2; minus strand). Cytogenetic location: 22q12.1.
Variant type: Deletion.
Coding change: c.538del on transcript NM_007194.4 (MANE Select); coding-DNA position 538, one base deleted (C; older notation c.538delC).
Protein change: p.Arg180fs; shifts the reading frame from arginine 180.
Molecular consequence: frameshift variant. On other transcripts: 5 prime UTR variant (2), intron variant (1).
Genome position (GRCh38, 1-based): chr22:28,725,031, G deleted on the plus strand (C on the coding strand, the reverse complement: CHEK2 is on the minus strand). VCF-style (leftmost placement, unchanged base first): chr22-28725030-CG-C. GRCh37 (hg19) VCF-style: chr22-29121018-CG-C.
Other names: c.667del, p.Arg223fs (NM_001005735.3, NM_001438294.1); c.-240del (NM_001257387.3); c.-126del (NM_001437942.1); c.631del, p.Arg211fs (NM_001438293.1, NM_001438295.1); c.538del, p.Arg180fs (NM_145862.3); c.445-108del (NM_001349956.3); short protein forms R223fs, R180fs, R211fs.
Identifiers: ClinVar variation 2117446 (VCV002117446.4), dbSNP rs2518051831, ClinGen allele CA2580099424.
Genomic context (GRCh38, chr22:28,725,030, plus strand): 5'-ATATTACCTTTATTTCTGCTTAGTGACAGTGCAATTTCAGAATTGTTATTCAAAGGACGG[CG>C]TTTTCCTTTCCCTACAAGCTCTGTATTTACAAAGGTTCCATTGCCACTGTGATCTTCTAT-3'

ClinVar aggregate classification (germline): Pathogenic (1 of 4 stars; one submission).

Conditions:
Familial cancer of breast. Also called: hereditary breast carcinoma; BREAST CANCER, FAMILIAL; Hereditary breast cancer. Identifiers: Orphanet 227535, MedGen C0346153, MONDO:0016419, OMIM 114480. Disease mechanism: loss of function.

Submission:

Labcorp Genetics (formerly Invitae), Labcorp
Classification: Pathogenic for Familial cancer of breast. Last evaluated: 2022-03-26. Review status: criteria provided, single submitter. Criteria: Invitae Variant Classification Sherloc (09022015). Collection method: clinical testing. Allele origin: germline.
Comment: For these reasons, this variant has been classified as Pathogenic. This variant has not been reported in the literature in individuals affected with CHEK2-related conditions. This variant is not present in population databases (gnomAD no frequency). This sequence change creates a premature translational stop signal (p.Arg180Alafs*4) in the CHEK2 gene. It is expected to result in an absent or disrupted protein product. Loss-of-function variants in CHEK2 are known to be pathogenic (PMID: 21876083, 24713400).

Literature cited by the submitters: PubMed 21876083; PubMed 24713400.